The following is an entry in ClinVar:

ClinVar aggregate classification (germline): Uncertain significance. Review status: criteria provided, multiple submitters, no conflicts (2 of 4 stars). 3 submissions from 3 submitters: Uncertain significance (3). Last evaluated 2025-10-28.

Conditions:
Hereditary cancer-predisposing syndrome. Also called: Tumor predisposition; Hereditary neoplastic syndrome; Neoplastic Syndromes, Hereditary; Hereditary Cancer Syndrome. Identifiers: Orphanet 140162, MedGen C0027672, MeSH D009386, MONDO:0015356.

Allele frequency attached by ClinVar (database versions not stated): gnomAD exomes 0.00001 and 0.00003; TOPMed 0.00001; ExAC 0.00006.
gnomAD v4.1: 20 of 1,613,668 alleles (0.0012%); highest among the groups gnomAD compares: South Asian, 0.0055%; no homozygotes.

Submissions (3):

Labcorp Genetics (formerly Invitae), Labcorp
Classification: Uncertain significance. Last evaluated: 2025-10-28. Review status: criteria provided, single submitter. Criteria: Invitae Variant Classification Sherloc (09022015). Collection method: clinical testing. Allele origin: germline.
Comment: This sequence change replaces alanine, which is neutral and non-polar, with valine, which is neutral and non-polar, at codon 1022 of the POLE protein (p.Ala1022Val). This variant is present in population databases (rs756998826, gnomAD 0.01%). This variant has not been reported in the literature in individuals affected with POLE-related conditions. ClinVar contains an entry for this variant (Variation ID: 960674). Invitae Evidence Modeling of protein sequence and biophysical properties (such as structural, functional, and spatial information, amino acid conservation, physicochemical variation, residue mobility, and thermodynamic stability) indicates that this missense variant is not expected to disrupt POLE protein function with a negative predictive value of 80%. In summary, the available evidence is currently insufficient to determine the role of this variant in disease. Therefore, it has been classified as a Variant of Uncertain Significance.

Center for Genomic Medicine, Rigshospitalet, Copenhagen University Hospital
Classification: Uncertain significance. Last evaluated: 2025-03-04. Review status: criteria provided, single submitter. Criteria: ACMG Guidelines, 2015. Collection method: clinical testing. Allele origin: germline.

Ambry Genetics
Classification: Uncertain significance for Hereditary cancer-predisposing syndrome. Last evaluated: 2024-12-09. Review status: criteria provided, single submitter. Criteria: Ambry Variant Classification Scheme 2023. Collection method: clinical testing. Allele origin: germline.
Comment: The p.A1022V variant (also known as c.3065C>T), located in coding exon 26 of the POLE gene, results from a C to T substitution at nucleotide position 3065. The alanine at codon 1022 is replaced by valine, an amino acid with similar properties. This amino acid position is highly conserved in available vertebrate species. In addition, the in silico prediction for this alteration is inconclusive. Based on the available evidence, the clinical significance of this variant remains unclear.

NM_006231.4(POLE):c.3065C>T (p.Ala1022Val)

Gene: POLE (DNA polymerase epsilon, catalytic subunit; minus strand). Cytogenetic location: 12q24.33.
Variant type: single nucleotide variant.
Coding change: c.3065C>T on transcript NM_006231.4 (MANE Select); coding-DNA position 3065, C replaced by T.
Protein change: p.Ala1022Val; replaces alanine 1022 with valine.
Molecular consequence: missense variant.
Genome position (GRCh38, 1-based): chr12:132,659,505, G>A on the plus strand (C>T on the coding strand, the complement: POLE is on the minus strand). VCF-style: chr12-132659505-G-A. GRCh37 (hg19) VCF-style: chr12-133236091-G-A.
Other names: c.3065C>T (NM_006231.2); short protein forms A1022V.
Identifiers: ClinVar variation 960674 (VCV000960674.15), dbSNP rs756998826, ClinGen allele CA6893364.